The following is an entry in ClinVar:

NM_017777.4(MKS1):c.1490+1G>T

Gene: MKS1 (MKS transition zone complex subunit 1; minus strand). Cytogenetic location: 17q22.
Variant type: single nucleotide variant.
Coding change: c.1490+1G>T on transcript NM_017777.4 (MANE Select); the canonical splice donor site of the intron after coding-DNA position 1490, G replaced by T.
Molecular consequence: splice donor variant. On other transcripts: intron variant (2).
Genome position (GRCh38, 1-based): chr17:58,206,464, C>A on the plus strand (G>T on the coding strand, the complement: MKS1 is on the minus strand). VCF-style: chr17-58206464-C-A. GRCh37 (hg19) VCF-style: chr17-56283825-C-A.
Other names: c.881+1G>T (NM_001321268.2); c.1274-84G>T (NM_001330397.2); c.1408-84G>T (NM_001321269.2).
Identifiers: ClinVar variation 2034314 (VCV002034314.4), dbSNP rs2143737350, ClinGen allele CA400324618.
Genomic context (GRCh38, chr17:58,206,464, plus strand): 5'-TTACGGCTGTCTCCACCCCTCAGGGCTAAGGTGCCCTGAGGCAGAGGGCCAAGTCACTCA[C>A]CTGGACTGCTGCAGACAGTGCAAGCGGAAGGTGACAGTGCCTGTGGTCTCTGTGCGGAGT-3'

ClinVar aggregate classification (germline): Likely pathogenic (1 of 4 stars; one submission).

Conditions:
Joubert syndrome. Also called: CEREBELLOPARENCHYMAL DISORDER IV; JOUBERT-BOLTSHAUSER SYNDROME; Familial aplasia of the vermis. Identifiers: Orphanet 475, MedGen C5979921, MONDO:0018772.
Meckel-Gruber syndrome. Also called: DYSENCEPHALIA SPLANCHNOCYSTICA; GRUBER SYNDROME; Dysencephalia splachnocystica. Identifiers: Orphanet 564, MedGen C0265215, MONDO:0018921.

Submission:

Labcorp Genetics (formerly Invitae), Labcorp
Classification: Likely pathogenic for Joubert syndrome; Meckel-Gruber syndrome. Last evaluated: 2022-10-06. Review status: criteria provided, single submitter. Criteria: Invitae Variant Classification Sherloc (09022015). Collection method: clinical testing. Allele origin: germline.
Comment: This sequence change affects a donor splice site in intron 16 of the MKS1 gene. It is expected to disrupt RNA splicing. Variants that disrupt the donor or acceptor splice site typically lead to a loss of protein function (PMID: 16199547), and loss-of-function variants in MKS1 are known to be pathogenic (PMID: 19466712, 24886560, 26490104). This variant is not present in population databases (gnomAD no frequency). This variant has not been reported in the literature in individuals affected with MKS1-related conditions. Algorithms developed to predict the effect of sequence changes on RNA splicing suggest that this variant may disrupt the consensus splice site. In summary, the currently available evidence indicates that the variant is pathogenic, but additional data are needed to prove that conclusively. Therefore, this variant has been classified as Likely Pathogenic.

Literature cited by the submitters: PubMed 16199547; PubMed 19466712; PubMed 24886560; PubMed 26490104.